The following is an entry in ClinVar:

ClinVar aggregate classification (germline): Likely pathogenic (1 of 4 stars; one submission).

Submission:

Labcorp Genetics (formerly Invitae), Labcorp
Classification: Likely pathogenic. Last evaluated: 2023-06-30. Review status: criteria provided, single submitter. Criteria: Invitae Variant Classification Sherloc (09022015). Collection method: clinical testing. Allele origin: germline.
Comment: This missense change has been observed in individual(s) with autosomal dominant COL2A1-related conditions (PMID: 32071555). This variant is not present in population databases (gnomAD no frequency). This sequence change replaces glycine, which is neutral and non-polar, with glutamic acid, which is acidic and polar, at codon 678 of the COL2A1 protein (p.Gly678Glu). ClinVar contains an entry for this variant (Variation ID: 1224347). In summary, the currently available evidence indicates that the variant is pathogenic, but additional data are needed to prove that conclusively. Therefore, this variant has been classified as Likely Pathogenic. This variant disrupts the triple helix domain of COL2A1. Glycine residues within the Gly-Xaa-Yaa repeats of the triple helix domain are required for the structure and stability of fibrillar collagens (PMID: 7695699, 8218237, 19344236). In COL2A1, variants affecting these glycine residues are significantly enriched in individuals with disease (PMID: 9016532, 17078022) compared to the general population (ExAC). Advanced modeling of protein sequence and biophysical properties (such as structural, functional, and spatial information, amino acid conservation, physicochemical variation, residue mobility, and thermodynamic stability) performed at Invitae indicates that this missense variant is expected to disrupt COL2A1 protein function.

Literature cited by the submitters: PubMed 32071555; PubMed 7695699; PubMed 8218237; PubMed 19344236; PubMed 9016532; PubMed 17078022.

NM_001844.5(COL2A1):c.2033G>A (p.Gly678Glu)

Gene: COL2A1 (collagen type II alpha 1 chain; minus strand). Cytogenetic location: 12q13.11.
Variant type: single nucleotide variant.
Coding change: c.2033G>A on transcript NM_001844.5 (MANE Select); coding-DNA position 2033, G replaced by A.
Protein change: p.Gly678Glu; replaces glycine 678 with glutamic acid.
Molecular consequence: missense variant.
Genome position (GRCh38, 1-based): chr12:47,983,401, C>T on the plus strand (G>A on the coding strand, the complement: COL2A1 is on the minus strand). VCF-style: chr12-47983401-C-T. GRCh37 (hg19) VCF-style: chr12-48377184-C-T.
Other names: c.1826G>A, p.Gly609Glu (NM_033150.3); short protein forms G609E, G678E.
Identifiers: ClinVar variation 1224347 (VCV001224347.4), dbSNP rs2136554879, ClinGen allele CA384547880.